The following is an entry in ClinVar:

NM_004006.3(DMD):c.9534T>A (p.Cys3178Ter)

Gene: DMD (dystrophin; minus strand). Cytogenetic location: Xp21.2.
Variant type: single nucleotide variant.
Coding change: c.9534T>A on transcript NM_004006.3 (MANE Select); coding-DNA position 9534, T replaced by A.
Protein change: p.Cys3178Ter; replaces cysteine 3178 with a stop codon.
Molecular consequence: nonsense.
Genome position (GRCh38, 1-based): chrX:31,209,527, A>T on the plus strand (T>A on the coding strand, the complement: DMD is on the minus strand). VCF-style: chrX-31209527-A-T. GRCh37 (hg19) VCF-style: chrX-31227644-A-T.
Other names: NC_000023.10:g.31227644A>T; c.9510T>A, p.Cys3170Ter (NM_000109.4); c.9522T>A, p.Cys3174Ter (NM_004009.3); c.9165T>A, p.Cys3055Ter (NM_004010.3); c.5511T>A, p.Cys1837Ter (NM_004011.4); c.5502T>A, p.Cys1834Ter (NM_004012.4); c.2154T>A, p.Cys718Ter (NM_004013.3, NM_004020.4, NM_004021.3 and 2 more transcripts); c.1347T>A, p.Cys449Ter (NM_004014.3); and 1 more; short protein forms C110*, C1834*, C1837*, C3055*, C3170*, C3174*, C3178*, C449*.
Identifiers: ClinVar variation 1724995 (VCV001724995.4), dbSNP rs2521425675, ClinGen allele CA412649783.

ClinVar aggregate classification (germline): Likely pathogenic (1 of 4 stars; one submission).

Conditions:
Progressive muscular dystrophy. Identifiers: Orphanet 206644, MedGen C4551827, MONDO:0016106.

Submissions (2):

Myriad Genetics, Inc.
Classification: Likely pathogenic for Progressive muscular dystrophy. Last evaluated: 2022-03-04. Review status: criteria provided, single submitter. Criteria: Myriad Autosomal Dominant, Autosomal Recessive and X-Linked Classification Criteria (2023). Collection method: clinical testing. Allele origin: unknown.
Comment: NM_004006.2(DMD):c.9534T>A(C3178*) is expected to be pathogenic in the context of dystrophinopathy (including Duchenne/Becker muscular dystrophy). This variant is predicted to lead to an abnormal or absent protein product due to the creation of a premature termination codon in DMD, a gene where loss-of-function variants are known to be pathogenic. Please note: this variant was assessed in the context of healthy population screening.

Dr. Peter K. Rogan Lab, Western University
No classification provided (evidence only). Condition: Nonpapillary renal cell carcinoma. Review status: no classification provided. Collection method: in vitro. Allele origin: not applicable. Functional consequence: retained intron. Not counted in ClinVar's aggregate classification.